The following is an entry in ClinVar:

ClinVar aggregate classification (germline): Uncertain significance. Review status: criteria provided, multiple submitters, no conflicts (2 of 4 stars). 6 submissions from 6 submitters: Uncertain significance (5). 1 of the submissions does not count toward it. Last evaluated 2025-10-02.

Conditions:
Ataxia-telangiectasia syndrome (AT). Also called: Ataxia telangiectasia (A-T); Ataxia-telangiectasia, complementation group D; AT, COMPLEMENTATION GROUP C; ATAXIA-TELANGIECTASIA, COMPLEMENTATION GROUP A; Ataxia-telangiectasia, complementation group E; ATAXIA-TELANGIECTASIA, FRESNO VARIANT. Identifiers: Orphanet 100, MedGen C0004135, MONDO:0008840, OMIM 208900.
Familial cancer of breast. Also called: Hereditary breast cancer; BREAST CANCER, FAMILIAL; hereditary breast carcinoma. Identifiers: Orphanet 227535, MedGen C0346153, MONDO:0016419, OMIM 114480. Disease mechanism: loss of function.
Hereditary cancer-predisposing syndrome. Also called: Neoplastic Syndromes, Hereditary; Tumor predisposition; Hereditary Cancer Syndrome; Hereditary neoplastic syndrome. Identifiers: Orphanet 140162, MedGen C0027672, MeSH D009386, MONDO:0015356.

Allele frequency attached by ClinVar (database versions not stated): gnomAD 0.00001; TOPMed 0.00002; 1000 Genomes Project 0.00020; 1000 Genomes Project 30x 0.00031.
gnomAD v4.1: 2 of 1,614,070 alleles (0.00012%); highest among the groups gnomAD compares: East Asian, 0.0022%; no homozygotes.

Submissions (7):

Labcorp Genetics (formerly Invitae), Labcorp
Classification: Uncertain significance for Ataxia-telangiectasia syndrome. Last evaluated: 2025-10-02. Review status: criteria provided, single submitter. Criteria: Invitae Variant Classification Sherloc (09022015). Collection method: clinical testing. Allele origin: germline.
Comment: This sequence change replaces threonine, which is neutral and polar, with lysine, which is basic and polar, at codon 1020 of the ATM protein (p.Thr1020Lys). This variant is not present in population databases (gnomAD no frequency). This variant has not been reported in the literature in individuals affected with ATM-related conditions. ClinVar contains an entry for this variant (Variation ID: 565893). Invitae Evidence Modeling of protein sequence and biophysical properties (such as structural, functional, and spatial information, amino acid conservation, physicochemical variation, residue mobility, and thermodynamic stability) indicates that this missense variant is not expected to disrupt ATM protein function with a negative predictive value of 95%. In summary, the available evidence is currently insufficient to determine the role of this variant in disease. Therefore, it has been classified as a Variant of Uncertain Significance.

Ambry Genetics
Classification: Uncertain significance for Hereditary cancer-predisposing syndrome. Last evaluated: 2024-08-05. Review status: criteria provided, single submitter. Criteria: Ambry Variant Classification Scheme 2023. Collection method: clinical testing. Allele origin: germline.
Comment: The p.T1020K variant (also known as c.3059C>A), located in coding exon 19 of the ATM gene, results from a C to A substitution at nucleotide position 3059. The threonine at codon 1020 is replaced by lysine, an amino acid with similar properties. This amino acid position is well conserved in available vertebrate species. In addition, the in silico prediction for this alteration is inconclusive. Based on the available evidence, the clinical significance of this variant remains unclear.

Color Diagnostics, LLC DBA Color Health
Classification: Uncertain significance for Hereditary cancer-predisposing syndrome. Last evaluated: 2024-06-24. Review status: criteria provided, single submitter. Criteria: ACMG Guidelines, 2015. Collection method: clinical testing. Allele origin: germline.
Comment: This missense variant replaces threonine with lysine at codon 1020 of the ATM protein. Computational prediction suggests that this variant may not impact protein structure and function. To our knowledge, functional studies have not been reported for this variant. This variant has not been reported in individuals affected with ATM-related disorders in the literature. This variant has been identified in 1/250920 chromosomes in the general population by the Genome Aggregation Database (gnomAD). The available evidence is insufficient to determine the role of this variant in disease conclusively. Therefore, this variant is classified as a Variant of Uncertain Significance.

St. Jude Molecular Pathology, St. Jude Children's Research Hospital
Classification: Uncertain significance for Familial cancer of breast. Last evaluated: 2023-06-21. Review status: criteria provided, single submitter. Criteria: St. Jude Assertion Criteria 2020. Collection method: clinical testing. Allele origin: germline.
Comment: The ATM c.3059C>A (p.Thr1020Lys) missense change has a maximum subpopulation frequency of 0.0029% in gnomAD v2.1.1. The in silico tool REVEL is inconclusive about a pathogenic or benign effect of this variant on protein function, and to our knowledge functional studies have not been performed. This variant was not reported in a database of women older than 70 years of age who have never had cancer (FLOSSIES database). To our knowledge, this variant has not been reported in individuals with ataxia telangiectasia or breast cancer. In summary, the evidence currently available is insufficient to determine the clinical significance of this variant. It has therefore been classified as of uncertain significance.

GeneDx
Classification: Uncertain significance. Last evaluated: 2020-01-29. Review status: criteria provided, single submitter. Criteria: GeneDx Variant Classification Process June 2021. Collection method: clinical testing. Allele origin: germline. Affected: yes.
Comment: Not observed at a significant frequency in large population cohorts (Lek 2016); In silico analysis, which includes protein predictors and evolutionary conservation, supports that this variant does not alter protein structure/function; Has not been previously published as pathogenic or benign to our knowledge

Natera, Inc.
Classification: Uncertain significance for Ataxia-telangiectasia. Last evaluated: 2020-07-29. Review status: no assertion criteria provided. Collection method: clinical testing. Allele origin: germline. Not counted in ClinVar's aggregate classification.

Dr. Peter K. Rogan Lab, Western University
No classification provided (evidence only). Condition: Thyroid cancer, nonmedullary, 1. Review status: no classification provided. Collection method: in vitro. Allele origin: not applicable. Functional consequence: retained intron. Not counted in ClinVar's aggregate classification.

NM_000051.4(ATM):c.3059C>A (p.Thr1020Lys)

Gene: ATM (ATM serine/threonine kinase; plus strand). Cytogenetic location: 11q22.3.
Variant type: single nucleotide variant.
Coding change: c.3059C>A on transcript NM_000051.4 (MANE Select); coding-DNA position 3059, C replaced by A.
Protein change: p.Thr1020Lys; replaces threonine 1020 with lysine.
Molecular consequence: missense variant.
Genome position (GRCh38, 1-based): chr11:108,271,388, C>A. VCF-style: chr11-108271388-C-A. GRCh37 (hg19) VCF-style: chr11-108142115-C-A.
Other names: c.3059C>A, p.Thr1020Lys (NM_001351834.2); short protein forms T1020K.
Identifiers: ClinVar variation 565893 (VCV000565893.25), dbSNP rs186626274, ClinGen allele CA6265174.